The following is an entry in ClinVar:

ClinVar aggregate classification (germline): Benign/Likely benign. Review status: criteria provided, multiple submitters, no conflicts (2 of 4 stars). 4 submissions from 4 submitters: Benign (1); Likely benign (2). 1 of the submissions does not count toward it. Last evaluated 2025-10-01.

Conditions:
CRB2-related disorder. Also called: CRB2-related disorders; CRB2-related condition.

Allele frequency attached by ClinVar (database versions not stated): ESP Exome Variant Server 0.00008; TOPMed 0.00054; gnomAD 0.00134 and 0.00143; 1000 Genomes Project 30x 0.00141; 1000 Genomes Project 0.00160.

Submissions (4):

Labcorp Genetics (formerly Invitae), Labcorp
Classification: Benign. Last evaluated: 2025-10-01. Review status: criteria provided, single submitter. Criteria: Invitae Variant Classification Sherloc (09022015). Collection method: clinical testing. Allele origin: germline.

Blueprint Genetics
Classification: Likely benign. Last evaluated: 2024-11-15. Review status: criteria provided, single submitter. Criteria: ACMG Guidelines, 2015. Collection method: clinical testing. Allele origin: germline.

CeGaT Center for Human Genetics Tuebingen
Classification: Likely benign. Last evaluated: 2022-10-01. Review status: criteria provided, single submitter. Criteria: CeGaT Center For Human Genetics Tuebingen Variant Classification Criteria Version 2. Collection method: clinical testing. Allele origin: germline. Affected: yes. Observed: 1 variant allele.
Comment: CRB2: BP4, BS2

PreventionGenetics, part of Exact Sciences
Classification: Likely benign for CRB2-related condition. Last evaluated: 2020-03-25. Review status: no assertion criteria provided. Collection method: clinical testing. Allele origin: germline. Not counted in ClinVar's aggregate classification.
Comment: This variant is classified as likely benign based on ACMG/AMP sequence variant interpretation guidelines (Richards et al. 2015 PMID: 25741868, with internal and published modifications).

NM_173689.7(CRB2):c.142G>A (p.Ala48Thr)

Gene: CRB2 (crumbs cell polarity complex component 2; plus strand). Cytogenetic location: 9q33.3.
Variant type: single nucleotide variant.
Coding change: c.142G>A on transcript NM_173689.7 (MANE Select); coding-DNA position 142, G replaced by A.
Protein change: p.Ala48Thr; replaces alanine 48 with threonine.
Molecular consequence: missense variant.
Genome position (GRCh38, 1-based): chr9:123,362,912, G>A. VCF-style: chr9-123362912-G-A. GRCh37 (hg19) VCF-style: chr9-126125191-G-A.
Other names: short protein forms A48T.
Identifiers: ClinVar variation 731614 (VCV000731614.34), dbSNP rs200283870, ClinGen allele CA5231563.
Genomic context (GRCh38, chr9:123,362,912, plus strand): 5'-CTTCTTTCTACAGGGACGGTGCCTTCAGAGCCCCCCAGTGCCTGTGCCTCAGACCCGTGC[G>A]CTCCAGGGACCGAGTGCCAGGCTACCGAGAGTGGTGGCTATACCTGTGGGCCCATGGAGC-3'
Protein context (NP_775960.4, residues 38-58): PPSACASDPC[Ala48Thr]PGTECQATES